The following is an entry in ClinVar:

NM_001270.4(CHD1):c.4108-511T>G

Gene: CHD1 (chromodomain helicase DNA binding protein 1; minus strand). Cytogenetic location: 5q15.
Variant type: single nucleotide variant.
Coding change: c.4108-511T>G on transcript NM_001270.4 (MANE Select); 511 bases into the intron before coding-DNA position 4108, T replaced by G.
Molecular consequence: intron variant. On other transcripts: missense variant (1).
Genome position (GRCh38, 1-based): chr5:98,869,146, A>C on the plus strand (T>G on the coding strand, the complement: CHD1 is on the minus strand). VCF-style: chr5-98869146-A-C. GRCh37 (hg19) VCF-style: chr5-98204850-A-C.
Other names: c.4239T>G, p.Asn1413Lys (NM_001364113.3); c.4108-511T>G (NM_001376194.2); short protein forms N1413K.
Identifiers: ClinVar variation 5037576 (VCV005037576.1).

ClinVar aggregate classification (germline): Uncertain significance (1 of 4 stars; one submission).

Submission:

GeneDx
Classification: Uncertain significance. Last evaluated: 2026-04-23. Review status: criteria provided, single submitter. Criteria: GeneDx Variant Classification Process June 2021. Collection method: clinical testing. Allele origin: germline.
Comment: Has not been previously published as pathogenic or benign to our knowledge; No data available from control populations to assess the frequency of this variant; Reported using an alternate transcript of the gene; In silico analysis does not support a benign or deleterious effect of this variant on protein structure/function